The following is an entry in ClinVar:

NM_003737.4(DCHS1):c.4354G>C (p.Gly1452Arg)

Gene: DCHS1 (dachsous cadherin-related 1; minus strand). Cytogenetic location: 11p15.4.
Variant type: single nucleotide variant.
Coding change: c.4354G>C on transcript NM_003737.4 (MANE Select); coding-DNA position 4354, G replaced by C.
Protein change: p.Gly1452Arg; replaces glycine 1452 with arginine.
Molecular consequence: missense variant.
Genome position (GRCh38, 1-based): chr11:6,630,440, C>G on the plus strand (G>C on the coding strand, the complement: DCHS1 is on the minus strand). VCF-style: chr11-6630440-C-G. GRCh37 (hg19) VCF-style: chr11-6651671-C-G.
Other names: c.4354G>C (NM_003737.2); short protein forms G1452R.
Identifiers: ClinVar variation 1800803 (VCV001800803.4), dbSNP rs557911084, ClinGen allele CA5860345.

ClinVar aggregate classification (germline): Uncertain significance. Review status: criteria provided, multiple submitters, no conflicts (2 of 4 stars). 3 submissions from 3 submitters: Uncertain significance (3). Last evaluated 2025-10-15.

Conditions:
Inborn genetic diseases. Identifiers: MedGen C0950123, MeSH D030342.

Allele frequency attached by ClinVar (database versions not stated): 1000 Genomes Project 30x 0.00047; gnomAD exomes 0.00002; 1000 Genomes Project 0.00040; gnomAD 0.00022; TOPMed 0.00018.
gnomAD v4.1: 61 of 1,505,754 alleles (0.0041%); highest among the groups gnomAD compares: African/African-American, 0.051%; no homozygotes.

Submissions (3):

Labcorp Genetics (formerly Invitae), Labcorp
Classification: Uncertain significance. Last evaluated: 2025-10-15. Review status: criteria provided, single submitter. Criteria: Invitae Variant Classification Sherloc (09022015). Collection method: clinical testing. Allele origin: germline.
Comment: This sequence change replaces glycine, which is neutral and non-polar, with arginine, which is basic and polar, at codon 1452 of the DCHS1 protein (p.Gly1452Arg). This variant is present in population databases (rs557911084, gnomAD 0.06%). This variant has not been reported in the literature in individuals affected with DCHS1-related conditions. ClinVar contains an entry for this variant (Variation ID: 1800803). Invitae Evidence Modeling of protein sequence and biophysical properties (such as structural, functional, and spatial information, amino acid conservation, physicochemical variation, residue mobility, and thermodynamic stability) has been performed for this missense variant. However, the output from this modeling did not meet the statistical confidence thresholds required to predict the impact of this variant on DCHS1 protein function. In summary, the available evidence is currently insufficient to determine the role of this variant in disease. Therefore, it has been classified as a Variant of Uncertain Significance.

GeneDx
Classification: Uncertain significance. Last evaluated: 2025-01-03. Review status: criteria provided, single submitter. Criteria: GeneDx Variant Classification Process June 2021. Collection method: clinical testing. Allele origin: germline.
Comment: In silico analysis supports that this missense variant has a deleterious effect on protein structure/function; Has not been previously published as pathogenic or benign to our knowledge

Ambry Genetics
Classification: Uncertain significance for Inborn genetic diseases. Last evaluated: 2024-11-09. Review status: criteria provided, single submitter. Criteria: Ambry Variant Classification Scheme 2023. Collection method: clinical testing. Allele origin: germline.